The following is an entry in ClinVar:

NM_001415.4(EIF2S3):c.1412dup (p.Asp471fs)

Gene: EIF2S3 (eukaryotic translation initiation factor 2 subunit gamma; plus strand). Cytogenetic location: Xp22.11.
Variant type: Duplication.
Coding change: c.1412dup on transcript NM_001415.4 (MANE Select); coding-DNA position 1412, one base duplicated (A; older notation c.1412dupA).
Protein change: p.Asp471fs; shifts the reading frame from aspartic acid 471.
Molecular consequence: frameshift variant.
Genome position (GRCh38, 1-based): chrX:24,076,778, A duplicated. VCF-style (leftmost placement, unchanged base first): chrX-24076777-G-GA. GRCh37 (hg19) VCF-style: chrX-24094894-G-GA.
Other names: short protein forms D471fs.
Identifiers: ClinVar variation 5019860 (VCV005019860.2).

ClinVar aggregate classification (germline): Uncertain significance (1 of 4 stars; one submission).

Conditions:
MEHMO syndrome (MEHMO). Also called: Mental retardation, X-linked, syndromic, Borck type; MENTAL RETARDATION, X-LINKED, SYNDROMIC 20; MENTAL RETARDATION, X-LINKED, SYNDROMIC 25. Identifiers: Orphanet 85282, MedGen C1846278, MONDO:0010258, OMIM 300148.

Submission:

Juno Genomics, Hangzhou Juno Genomics, Inc
Classification: Uncertain significance for MEHMO syndrome. Review status: criteria provided, single submitter. Criteria: ACMG Guidelines, 2015. Collection method: clinical testing. Allele origin: germline.
Comment: Absent from controls (or at extremely low frequency if recessive) in Genome Aggregation Database.;Null variant in a gene where loss of function (LOF) is a known mechanism of disease.